The following is an entry in ClinVar:

ClinVar aggregate classification (germline): Uncertain significance (1 of 4 stars; one submission).

Conditions:
Mendelian susceptibility to mycobacterial diseases due to complete IL12B deficiency. Also called: Immunodeficiency 29; IL12B DEFICIENCY. Identifiers: Orphanet 319558, MedGen C4013948, MONDO:0013954, OMIM 614890.

Allele frequency attached by ClinVar (database versions not stated): gnomAD exomes below 0.00001; gnomAD 0.00001; TOPMed 0.00001.
gnomAD v4.1: 3 of 1,614,036 alleles (0.00019%); highest among the groups gnomAD compares: African/African-American, 0.004%; no homozygotes.

Submission:

Labcorp Genetics (formerly Invitae), Labcorp
Classification: Uncertain significance for Mendelian susceptibility to mycobacterial diseases due to complete IL12B deficiency. Last evaluated: 2024-02-24. Review status: criteria provided, single submitter. Criteria: Invitae Variant Classification Sherloc (09022015). Collection method: clinical testing. Allele origin: germline.
Comment: This sequence change replaces lysine, which is basic and polar, with glutamic acid, which is acidic and polar, at codon 285 of the IL12B protein (p.Lys285Glu). This variant is not present in population databases (gnomAD no frequency). This variant has not been reported in the literature in individuals affected with IL12B-related conditions. ClinVar contains an entry for this variant (Variation ID: 1973862). An algorithm developed to predict the effect of missense changes on protein structure and function (PolyPhen-2) suggests that this variant¬†is likely to be tolerated. In summary, the available evidence is currently insufficient to determine the role of this variant in disease. Therefore, it has been classified as a Variant of Uncertain Significance.

NM_002187.3(IL12B):c.853A>G (p.Lys285Glu)

Gene: IL12B (interleukin 12B; minus strand). Cytogenetic location: 5q33.3.
Variant type: single nucleotide variant.
Coding change: c.853A>G on transcript NM_002187.3 (MANE Select); coding-DNA position 853, A replaced by G.
Protein change: p.Lys285Glu; replaces lysine 285 with glutamic acid.
Molecular consequence: missense variant.
Genome position (GRCh38, 1-based): chr5:159,318,738, T>C on the plus strand (A>G on the coding strand, the complement: IL12B is on the minus strand). VCF-style: chr5-159318738-T-C. GRCh37 (hg19) VCF-style: chr5-158745746-T-C.
Other names: short protein forms K285E.
Identifiers: ClinVar variation 1973862 (VCV001973862.4), dbSNP rs1161516624, ClinGen allele CA362030692.